The following is an entry in ClinVar:

NM_005228.5(EGFR):c.2626-14C>G

Gene: EGFR (epidermal growth factor receptor; plus strand). Cytogenetic location: 7p11.2.
Variant type: single nucleotide variant.
Coding change: c.2626-14C>G on transcript NM_005228.5 (MANE Select); 14 bases into the intron before coding-DNA position 2626, C replaced by G.
Molecular consequence: intron variant.
Genome position (GRCh38, 1-based): chr7:55,192,752, C>G. VCF-style: chr7-55192752-C-G. GRCh37 (hg19) VCF-style: chr7-55260445-C-G.
Other names: c.2491-14C>G (NM_001346899.2, NM_001346897.2); c.1825-14C>G (NM_001346941.2); c.2626-14C>G (NM_001346898.2); c.2467-14C>G (NM_001346900.2).
Identifiers: ClinVar variation 1948951 (VCV001948951.5), dbSNP rs1262899620, ClinGen allele CA2580077240.

ClinVar aggregate classification (germline): Uncertain significance (1 of 4 stars; one submission).

Conditions:
EGFR-related lung cancer (EGFR). Identifiers: MedGen CN130014.

Submission:

Labcorp Genetics (formerly Invitae), Labcorp
Classification: Uncertain significance for EGFR-related lung cancer. Last evaluated: 2023-08-08. Review status: criteria provided, single submitter. Criteria: Invitae Variant Classification Sherloc (09022015). Collection method: clinical testing. Allele origin: germline.
Comment: This sequence change falls in intron 21 of the EGFR gene. It does not directly change the encoded amino acid sequence of the EGFR protein. This variant is not present in population databases (gnomAD no frequency). This variant has not been reported in the literature in individuals affected with EGFR-related conditions. ClinVar contains an entry for this variant (Variation ID: 1948951). Algorithms developed to predict the effect of sequence changes on RNA splicing suggest that this variant may disrupt the consensus splice site. In summary, the available evidence is currently insufficient to determine the role of this variant in disease. Therefore, it has been classified as a Variant of Uncertain Significance.